The following is an entry in ClinVar:

ClinVar aggregate classification (germline): Uncertain significance. Review status: criteria provided, multiple submitters, no conflicts (2 of 4 stars). 4 submissions from 4 submitters: Uncertain significance (4). Last evaluated 2025-08-23.

Conditions:
CHARGE syndrome (CHARGE). Also called: Hittner Hirsch Kreh syndrome; CHARGE ASSOCIATION--COLOBOMA, HEART ANOMALY, CHOANAL ATRESIA, RETARDATION, GENITAL AND EAR ANOMALIES; Coloboma, heart anomaly, choanal atresia, retardation, genital and ear anomalies; CHARGE association; Hall-Hittner syndrome. Identifiers: Orphanet 138, MedGen C0265354, MONDO:0008965.
Hypogonadotropic hypogonadism 7 with or without anosmia (HH7). Also called: GNRHR-Related GnRH Deficiency; HYPOGONADOTROPIC HYPOGONADISM 7 WITHOUT ANOSMIA. Identifiers: Orphanet 432, MedGen C0342384, MONDO:0007794, OMIM 146110.
SEMA3E-related disorder. Also called: SEMA3E-related condition.

Allele frequency attached by ClinVar (database versions not stated): gnomAD exomes below 0.00001; ExAC 0.00001; TOPMed 0.00002; gnomAD 0.00004; ESP Exome Variant Server 0.00015.
gnomAD v4.1: 7 of 1,613,664 alleles (0.00043%); highest among the groups gnomAD compares: African/African-American, 0.0093%; no homozygotes.

Submissions (4):

Ambry Genetics
Classification: Uncertain significance. Last evaluated: 2025-08-23. Review status: criteria provided, single submitter. Criteria: Ambry Variant Classification Scheme 2023. Collection method: clinical testing. Allele origin: germline.

Labcorp Genetics (formerly Invitae), Labcorp
Classification: Uncertain significance for CHARGE syndrome. Last evaluated: 2025-03-26. Review status: criteria provided, single submitter. Criteria: Invitae Variant Classification Sherloc (09022015). Collection method: clinical testing. Allele origin: germline.
Comment: This sequence change replaces alanine, which is neutral and non-polar, with serine, which is neutral and polar, at codon 383 of the SEMA3E protein (p.Ala383Ser). This variant is present in population databases (rs373711827, gnomAD 0.02%). This variant has not been reported in the literature in individuals affected with SEMA3E-related conditions. ClinVar contains an entry for this variant (Variation ID: 1348821). Invitae Evidence Modeling of protein sequence and biophysical properties (such as structural, functional, and spatial information, amino acid conservation, physicochemical variation, residue mobility, and thermodynamic stability) indicates that this missense variant is not expected to disrupt SEMA3E protein function with a negative predictive value of 80%. In summary, the available evidence is currently insufficient to determine the role of this variant in disease. Therefore, it has been classified as a Variant of Uncertain Significance.

PreventionGenetics, part of Exact Sciences
Classification: Uncertain significance for SEMA3E-related condition. Last evaluated: 2024-12-23. Review status: criteria provided, single submitter. Criteria: ACMG Guidelines, 2015. Collection method: clinical testing. Allele origin: germline.
Comment: The SEMA3E c.1147G>T variant is predicted to result in the amino acid substitution p.Ala383Ser. To our knowledge, this variant has not been reported in the literature. This variant is reported in 0.016% of alleles in individuals of African descent in gnomAD. At this time, the clinical significance of this variant is uncertain due to the absence of conclusive functional and genetic evidence.

Fulgent Genetics
Classification: Uncertain significance for Hypogonadotropic hypogonadism 7 with or without anosmia; CHD7-related CHARGE syndrome. Last evaluated: 2022-04-27. Review status: criteria provided, single submitter. Criteria: ACMG Guidelines, 2015. Collection method: clinical testing. Allele origin: unknown.

NM_012431.3(SEMA3E):c.1147G>T (p.Ala383Ser)

Gene: SEMA3E (semaphorin 3E; minus strand). Cytogenetic location: 7q21.11.
Variant type: single nucleotide variant.
Coding change: c.1147G>T on transcript NM_012431.3 (MANE Select); coding-DNA position 1147, G replaced by T.
Protein change: p.Ala383Ser; replaces alanine 383 with serine.
Molecular consequence: missense variant.
Genome position (GRCh38, 1-based): chr7:83,400,247, C>A on the plus strand (G>T on the coding strand, the complement: SEMA3E is on the minus strand). VCF-style: chr7-83400247-C-A. GRCh37 (hg19) VCF-style: chr7-83029563-C-A.
Other names: c.967G>T, p.Ala323Ser (NM_001178129.2); c.1147G>T (NM_012431.2); short protein forms A323S, A383S.
Identifiers: ClinVar variation 1348821 (VCV001348821.11), dbSNP rs373711827, ClinGen allele CA4322094.
Genomic context (GRCh38, chr7:83,400,247, plus strand): 5'-GGATGGCATCATCAGGATAGTCCTTGGTGGTTCCGTATCTCCCTCCATTTACTTTGCTGG[C>A]ACACTGAAAAACAAGTGGATCAGATAATTCTTTTTGCTTTACACCCAAAGAGAAAATTTA-3'
Protein context (NP_036563.1, residues 373-393): KVPYPRPGSC[Ala383Ser]SKVNGGRYGT